The following is an entry in ClinVar:

NM_017934.7(PHIP):c.340+3A>G

Gene: PHIP (PHIP subunit of CUL4-Ring ligase complex; minus strand). Cytogenetic location: 6q14.1.
Variant type: single nucleotide variant.
Coding change: c.340+3A>G on transcript NM_017934.7 (MANE Select); 3 bases into the intron after coding-DNA position 340, A replaced by G.
Molecular consequence: intron variant.
Genome position (GRCh38, 1-based): chr6:79,060,665, T>C on the plus strand (A>G on the coding strand, the complement: PHIP is on the minus strand). VCF-style: chr6-79060665-T-C. GRCh37 (hg19) VCF-style: chr6-79770382-T-C.
Identifiers: ClinVar variation 2853822 (VCV002853822.3), dbSNP rs2482350116, ClinGen allele CA2739273256.

ClinVar aggregate classification (germline): Uncertain significance (1 of 4 stars; one submission).

Submission:

Labcorp Genetics (formerly Invitae), Labcorp
Classification: Uncertain significance. Last evaluated: 2023-05-28. Review status: criteria provided, single submitter. Criteria: Invitae Variant Classification Sherloc (09022015). Collection method: clinical testing. Allele origin: germline.
Comment: This sequence change falls in intron 5 of the PHIP gene. It does not directly change the encoded amino acid sequence of the PHIP protein. It affects a nucleotide within the consensus splice site. This variant is not present in population databases (gnomAD no frequency). This variant has not been reported in the literature in individuals affected with PHIP-related conditions. Variants that disrupt the consensus splice site are a relatively common cause of aberrant splicing (PMID: 17576681, 9536098). Algorithms developed to predict the effect of sequence changes on RNA splicing suggest that this variant may disrupt the consensus splice site. In summary, the available evidence is currently insufficient to determine the role of this variant in disease. Therefore, it has been classified as a Variant of Uncertain Significance.

Literature cited by the submitters: PubMed 17576681; PubMed 9536098.